The following is an entry in ClinVar:

NM_005633.4(SOS1):c.193C>T (p.Arg65Ter)

Gene: SOS1 (SOS Ras/Rac guanine nucleotide exchange factor 1; minus strand). Cytogenetic location: 2p22.1.
Variant type: single nucleotide variant.
Coding change: c.193C>T on transcript NM_005633.4 (MANE Select); coding-DNA position 193, C replaced by T.
Protein change: p.Arg65Ter; replaces arginine 65 with a stop codon.
Molecular consequence: nonsense.
Genome position (GRCh38, 1-based): chr2:39,067,648, G>A on the plus strand (C>T on the coding strand, the complement: SOS1 is on the minus strand). VCF-style: chr2-39067648-G-A. GRCh37 (hg19) VCF-style: chr2-39294789-G-A.
Other names: c.172C>T, p.Arg58Ter (NM_001382394.1); c.193C>T, p.Arg65Ter (NM_001382395.1); short protein forms R58*, R65*.
Identifiers: ClinVar variation 3646988 (VCV003646988.2).

ClinVar aggregate classification (germline): Uncertain significance (1 of 4 stars; one submission).

Conditions:
RASopathy. Also called: Noonan spectrum disorder; rasopathies. Identifiers: Orphanet 536391, MedGen C5555857, MONDO:0021060.

gnomAD v4.1: 1 of 1,613,094 alleles (0.000062%); highest among the groups gnomAD compares: African/African-American, 0.0013%; no homozygotes.

Submission:

Labcorp Genetics (formerly Invitae), Labcorp
Classification: Uncertain significance for RASopathy. Last evaluated: 2024-03-20. Review status: criteria provided, single submitter. Criteria: Invitae Variant Classification Sherloc (09022015). Collection method: clinical testing. Allele origin: germline.
Comment: This sequence change creates a premature translational stop signal (p.Arg65*) in the SOS1 gene. It is expected to result in an absent or disrupted protein product. However, the current clinical and genetic evidence is not sufficient to establish whether loss-of-function variants in SOS1 cause disease. This variant is not present in population databases (gnomAD no frequency). This variant has not been reported in the literature in individuals affected with SOS1-related conditions. In summary, the available evidence is currently insufficient to determine the role of this variant in disease. Therefore, it has been classified as a Variant of Uncertain Significance.